The following is an entry in ClinVar:

NM_000094.4(COL7A1):c.1452_1453del (p.Tyr485fs)

Gene: COL7A1 (collagen type VII alpha 1 chain; minus strand). Cytogenetic location: 3p21.31.
Variant type: Microsatellite.
Coding change: c.1452_1453del on transcript NM_000094.4 (MANE Select); coding-DNA positions 1452 to 1453, 2 bases deleted (CT; older notation c.1452_1453delCT).
Protein change: p.Tyr485fs; shifts the reading frame from tyrosine 485.
Molecular consequence: frameshift variant.
Genome position (GRCh38, 1-based): chr3:48,591,727-48,591,728, AG deleted on the plus strand (CT on the coding strand, the reverse complement: COL7A1 is on the minus strand); deleting any 2 consecutive bases within chr3:48,591,727-48,591,730 gives the same sequence; the c. name uses the placement nearest the transcript's 3' end. VCF-style (leftmost placement, unchanged base first): chr3-48591726-TAG-T. GRCh37 (hg19) VCF-style: chr3-48629159-TAG-T.
Other names: short protein forms Y485fs.
Identifiers: ClinVar variation 817806 (VCV000817806.3), dbSNP rs752558942, ClinGen allele CA2381206.

ClinVar aggregate classification (germline): Pathogenic. Review status: criteria provided, multiple submitters, no conflicts (2 of 4 stars). 3 submissions from 3 submitters: Pathogenic (3). Last evaluated 2024-12-18.

Conditions:
Recessive dystrophic epidermolysis bullosa (RDEB). Also called: Hallopeau-Siemens Disease; EPIDERMOLYSIS BULLOSA DYSTROPHICA, GENERALIZED SEVERE, AUTOSOMAL RECESSIVE; Epidermolysis Bullosa Distrophica Autosomal Recessive (RDEB); DYSTROPHIC EPIDERMOLYSIS BULLOSA, AUTOSOMAL RECESSIVE; EPIDERMOLYSIS BULLOSA DYSTROPHICA, HALLOPEAU-SIEMENS TYPE; epidermolysis bullosa dystrophica, autosomal recessive. Identifiers: Orphanet 79408, Orphanet 79409, MedGen C0079474, MONDO:0009179, OMIM 226600.

Submissions (3):

Myriad Genetics, Inc.
Classification: Pathogenic for Recessive dystrophic epidermolysis bullosa. Last evaluated: 2024-12-18. Review status: criteria provided, single submitter. Criteria: Myriad Autosomal Dominant, Autosomal Recessive and X-Linked Classification Criteria (2023). Collection method: clinical testing. Allele origin: unknown.
Comment: NM_000094.3(COL7A1):c.1452_1453delCT(Y485Hfs*63) is expected to be pathogenic in the context of dystrophic epidermolysis bullosa. This variant is predicted to lead to an abnormal or absent protein product due to the creation of a premature termination codon in COL7A1, a gene where loss-of-function variants are known to be pathogenic. Please note: this variant was assessed in the context of healthy population screening.

Victorian Clinical Genetics Services, Murdoch Childrens Research Institute
Classification: Pathogenic for Recessive dystrophic epidermolysis bullosa. Last evaluated: 2023-07-16. Review status: criteria provided, single submitter. Criteria: ACMG Guidelines, 2015. Collection method: clinical testing. Allele origin: germline. Inheritance: Autosomal recessive inheritance. Affected: yes.
Comment: Based on the classification scheme VCGS_Germline_v1.3.4, this variant is classified as Pathogenic. Following criteria are met: 0103 - Dominant negative and loss of function are known mechanisms of disease in this gene and are associated with dystrophic epidermolysis bullosa (DEB) (OMIM, PMID: 31670143). (I) 0108 - This gene is associated with both recessive and dominant disease. The spectrum of DEB associated with this gene can be either dominant or recessive. Dominant inheritance (DDEB; MIM#131750) is typically associated with milder phenotypes, whereas recessive inheritance (RDEB; MIM#226600) is usually observed in more severe cases (OMIM). (I) 0115 - Variants in this gene are known to have variable expressivity. Severity ranges from involving only nails to generalized and severe blistering and scarring (PMID: 31670143). (I) 0201 - Variant is predicted to cause nonsense-mediated decay (NMD) and loss of protein (premature termination codon is located at least 54 nucleotides upstream of the final exon-exon junction). (SP) 0251 - This variant is heterozygous. (I) 0304 - Variant is present in gnomAD (v2) <0.01 (1 heterozygote, 0 homozygotes). (SP) 0701 - Other NMD predicted variants comparable to the one identified in this case have very strong previous evidence for pathogenicity (DECIPHER). (SP) 0803 - This variant has limited previous evidence of pathogenicity in an unrelated individual. This variant has been classified as pathogenic by a clinical laboratory in ClinVar. (SP) 0905 - No published segregation evidence has been identified for this variant. (I) 1007 - No published functional evidence has been identified for this variant. (I) 1101 - Very strong and specific phenotype match for this individual. (I) Legend: (SP) - Supporting pathogenic, (I) - Information, (SB) - Supporting benign

GeneDx
Classification: Pathogenic. Last evaluated: 2018-08-30. Review status: criteria provided, single submitter. Criteria: GeneDx Variant Classification (06012015). Collection method: clinical testing. Allele origin: germline. Affected: yes.
Comment: The c.1452_1453delCT pathogenic variant in the COL7A1 gene has not been reported previously as a pathogenic variant, nor as a benign variant, to our knowledge. The c.1452_1453delCT variant causes a frameshift starting with codon Tyrosine 485, changes this amino acid to a Histidine residue, and creates a premature Stop codon at position 63 of the new reading frame, denoted p.Tyr485HisfsX63. This variant is predicted to cause loss of normal protein function either through protein truncation or nonsense-mediated mRNA decay. The c.1452_1453delCT variant is not observed at a significant frequency in large population cohorts (Lek et al., 2016). We interpret c.1452_1453delCT as a pathogenic variant.

Literature cited by the submitters: PubMed 31670143 (cited by Victorian Clinical Genetics Services, Murdoch Childrens Research Institute).